The following is an entry in ClinVar:

ClinVar aggregate classification (germline): Conflicting classifications of pathogenicity. Review status: criteria provided, conflicting classifications (1 of 4 stars). 5 submissions from 5 submitters: Pathogenic (3); Uncertain significance (2). Last evaluated 2025-10-28.

Conditions:
Neurodevelopmental disorder. Identifiers: MedGen C1535926, MeSH D065886, MONDO:0700092.
Spinocerebellar ataxia 47 (NEDMSF). Also called: PADDAS SYNDROME; neurodevelopmental disorder with motor abnormalities, seizures, and facial dysmorphism. Identifiers: Orphanet 642747, MedGen C4693672, MONDO:0033482, OMIM 620719.

Submissions (5):

Institute of Human Genetics, University of Leipzig Medical Center
Classification: Pathogenic for Spinocerebellar ataxia 47. Last evaluated: 2025-10-28. Review status: criteria provided, single submitter. Criteria: ACMG Guidelines, 2015. Collection method: clinical testing. Allele origin: unknown. Inheritance: Autosomal dominant inheritance. Affected: yes.
Comment: Criteria applied: PM2,PS4,PVS1

Laboratory of Genetics, Children's Clinical University Hospital Latvia
Classification: Pathogenic. Last evaluated: 2025-02-16. Review status: criteria provided, single submitter. Criteria: ACMG Guidelines, 2015. Collection method: clinical testing. Allele origin: germline. Affected: yes.

GeneDx
Classification: Pathogenic. Last evaluated: 2024-12-05. Review status: criteria provided, single submitter. Criteria: GeneDx Variant Classification Process June 2021. Collection method: clinical testing. Allele origin: germline. Affected: yes.
Comment: Frameshift variant predicted to result in protein truncation or nonsense mediated decay in a gene for which loss of function is a known mechanism of disease; Not observed at significant frequency in large population cohorts (gnomAD); Has not been previously published as pathogenic or benign to our knowledge

CeGaT Center for Human Genetics Tuebingen
Classification: Uncertain significance. Last evaluated: 2022-01-01. Review status: criteria provided, single submitter. Criteria: CeGaT Center For Human Genetics Tuebingen Variant Classification Criteria Version 2. Collection method: clinical testing. Allele origin: germline. Affected: yes. Observed: 2 variant alleles.

Laboratory of Molecular Genetics (Pr. Bezieau's lab), CHU de Nantes
Classification: Uncertain significance for Neurodevelopmental disorder. Last evaluated: 2020-09-16. Review status: criteria provided, single submitter. Criteria: ACMG Guidelines, 2015. Collection method: clinical testing. Allele origin: germline. Affected: yes.

NM_001020658.2(PUM1):c.3267_3270del (p.His1090fs)

Gene: PUM1 (pumilio RNA binding family member 1; minus strand). Cytogenetic location: 1p35.2.
Variant type: Deletion.
Coding change: c.3267_3270del on transcript NM_001020658.2 (MANE Select); coding-DNA positions 3267 to 3270, 4 bases deleted (TCAC; older notation c.3267_3270delTCAC).
Protein change: p.His1090fs; shifts the reading frame from histidine 1090.
Molecular consequence: frameshift variant.
Genome position (GRCh38, 1-based): chr1:30,936,808-30,936,811, GTGA deleted on the plus strand (TCAC on the coding strand, the reverse complement: PUM1 is on the minus strand); deleting any 4 consecutive bases within chr1:30,936,808-30,936,813 gives the same sequence; the c. name uses the placement nearest the transcript's 3' end. VCF-style (leftmost placement, unchanged base first): chr1-30936807-CGTGA-C. GRCh37 (hg19) VCF-style: chr1-31409654-CGTGA-C.
Other names: c.3261_3264del, p.His1088fs (NM_014676.3); short protein forms H1088fs, H1090fs.
Identifiers: ClinVar variation 1064828 (VCV001064828.37), dbSNP rs2124378402, ClinGen allele CA2499214693.